The following is an entry in ClinVar:

NM_004444.5(EPHB4):c.835_836del (p.Leu279fs)

Gene: EPHB4 (EPH receptor B4; minus strand). Cytogenetic location: 7q22.1.
Variant type: Deletion.
Coding change: c.835_836del on transcript NM_004444.5 (MANE Select); coding-DNA positions 835 to 836, 2 bases deleted (CT; older notation c.835_836delCT).
Protein change: p.Leu279fs; shifts the reading frame from leucine 279.
Molecular consequence: frameshift variant.
Genome position (GRCh38, 1-based): chr7:100,820,269-100,820,270, AG deleted on the plus strand (CT on the coding strand, the reverse complement: EPHB4 is on the minus strand). VCF-style (leftmost placement, unchanged base first): chr7-100820268-CAG-C. GRCh37 (hg19) VCF-style: chr7-100417890-CAG-C.
Other names: short protein forms L279fs.
Identifiers: ClinVar variation 2800804 (VCV002800804.5), dbSNP rs1813191696, ClinGen allele CA456757044.

ClinVar aggregate classification (germline): Pathogenic/Likely pathogenic. Review status: criteria provided, multiple submitters, no conflicts (2 of 4 stars). 2 submissions from 2 submitters: Pathogenic (1); Likely pathogenic (1). Last evaluated 2024-11-30.

Conditions:
Capillary malformation-arteriovenous malformation 2 (CMAVM2). Identifiers: Orphanet 693912, MedGen C4748670, MONDO:0020785, OMIM 618196.
Lymphatic malformation 7 (LMPHM7). Also called: Hydrops fetalis, nonimmune, and/or atrial septal defect, susceptibility to. Identifiers: MedGen C4310629, MONDO:0015009, OMIM 617300.

Allele frequency attached by ClinVar (database versions not stated): gnomAD 0.00001.

Submissions (2):

Labcorp Genetics (formerly Invitae), Labcorp
Classification: Pathogenic. Last evaluated: 2024-11-30. Review status: criteria provided, single submitter. Criteria: Invitae Variant Classification Sherloc (09022015). Collection method: clinical testing. Allele origin: germline.
Comment: This sequence change creates a premature translational stop signal (p.Leu279Valfs*13) in the EPHB4 gene. It is expected to result in an absent or disrupted protein product. Loss-of-function variants in EPHB4 are known to be pathogenic (PMID: 28687708). This variant is not present in population databases (gnomAD no frequency). This variant has not been reported in the literature in individuals affected with EPHB4-related conditions. ClinVar contains an entry for this variant (Variation ID: 2800804). For these reasons, this variant has been classified as Pathogenic.

Juno Genomics, Hangzhou Juno Genomics, Inc
Classification: Likely pathogenic for Capillary malformation-arteriovenous malformation 2; Lymphatic malformation 7. Review status: criteria provided, single submitter. Criteria: ACMG Guidelines, 2015. Collection method: clinical testing. Allele origin: germline.
Comment: Absent from controls (or at extremely low frequency if recessive) in Genome Aggregation Database.;Null variant in a gene where loss of function (LOF) is a known mechanism of disease.

Literature cited by the submitters: PubMed 28687708 (cited by Labcorp Genetics (formerly Invitae), Labcorp).